The following is an entry in ClinVar:

ClinVar aggregate classification (germline): Pathogenic. Review status: reviewed by expert panel (3 of 4 stars). 2 submissions from 2 submitters: Pathogenic (1). 1 of the submissions does not count toward it. Last evaluated 2020-09-06.

Conditions:
Glanzmann thrombasthenia. Also called: BLEEDING DISORDER, PLATELET-TYPE, 2; THROMBASTHENIA OF GLANZMANN AND NAEGELI; PLATELET GLYCOPROTEIN IIb-IIIa DEFICIENCY; Glanzmann's thrombasthenia; Thrombasthenia. Identifiers: Orphanet 849, MedGen C0040015, MONDO:0100326.

Allele frequency attached by ClinVar (database versions not stated): gnomAD exomes below 0.00001; ExAC 0.00001; gnomAD 0.00001; ESP Exome Variant Server 0.00008.

Submissions (2):

ClinGen Platelet Disorders Variant Curation Expert Panel, ClinGen
Classification: Pathogenic for Glanzmann thrombasthenia. Last evaluated: 2020-09-06. Review status: reviewed by expert panel. Criteria: ClinGen Platelet ACMG Specifications v2. Collection method: curation. Allele origin: germline. Inheritance: Autosomal recessive inheritance.
Comment: The 1-bp deletion variant, NM_000212.2:c.1791del causes a frameshift and premature termination of translation: Asn597Lysfs*72. The resulting transcript is predicted to undergo NMD. The variant is reported at very low frequencies in gnomAD v2.1.1 and v3 (<PM2 threshold of 0.0001). The variant is reported in one compound heterozygous individual along with the nonsense variant, Arg750Ter (PMID: 9351872). In summary, based on the evidence available at this time, the variant is classified as pathogenic. GT-specific criteria applied: PVS1, PP4_strong, PM2_supporting.

Labcorp Genetics (formerly Invitae), Labcorp
Classification: Pathogenic. Last evaluated: 2024-02-06. Review status: criteria provided, single submitter. Criteria: Invitae Variant Classification Sherloc (09022015). Collection method: clinical testing. Allele origin: germline. Not counted in ClinVar's aggregate classification.
Comment: This sequence change creates a premature translational stop signal (p.Asn597Lysfs*72) in the ITGB3 gene. It is expected to result in an absent or disrupted protein product. Loss-of-function variants in ITGB3 are known to be pathogenic (PMID: 21917754). This variant is not present in population databases (gnomAD no frequency). This premature translational stop signal has been observed in individual(s) with Glanzmann thrombasthenia (PMID: 9351872). This variant is also known as deletion of T1811 leading to a frameshift and termination at amino acid 642. ClinVar contains an entry for this variant (Variation ID: 953049). For these reasons, this variant has been classified as Pathogenic.

Literature cited by the submitters: PubMed 21917754 (cited by Labcorp Genetics (formerly Invitae), Labcorp); PubMed 9351872 (cited by Labcorp Genetics (formerly Invitae), Labcorp).

NM_000212.3(ITGB3):c.1791del (p.Asn597fs)

Gene: ITGB3 (integrin subunit beta 3; plus strand). Cytogenetic location: 17q21.32.
Variant type: Deletion.
Coding change: c.1791del on transcript NM_000212.3 (MANE Select); coding-DNA position 1791, one base deleted (T; older notation c.1791delT).
Protein change: p.Asn597fs; shifts the reading frame from asparagine 597.
Molecular consequence: frameshift variant.
Genome position (GRCh38, 1-based): chr17:47,299,408, T deleted. VCF-style (leftmost placement, unchanged base first): chr17-47299407-AT-A. GRCh37 (hg19) VCF-style: chr17-45376773-AT-A.
Other names: short protein forms N597fs.
Identifiers: ClinVar variation 953049 (VCV000953049.5), dbSNP rs780710721, ClinGen allele CA8623358.